The following is an entry in ClinVar:

ClinVar aggregate classification (germline): Uncertain significance (1 of 4 stars; one submission).

Allele frequency attached by ClinVar (database versions not stated): gnomAD exomes below 0.00001.
gnomAD v4.1: 1 of 1,614,140 alleles (0.000062%); highest among the groups gnomAD compares: African/African-American, 0.0013%; no homozygotes.

Submission:

GeneDx
Classification: Uncertain significance. Last evaluated: 2022-06-16. Review status: criteria provided, single submitter. Criteria: GeneDx Variant Classification Process June 2021. Collection method: clinical testing. Allele origin: germline. Affected: yes.
Comment: Not observed at significant frequency in large population cohorts (gnomAD); In silico analysis supports that this missense variant does not alter protein structure/function; Has not been previously published as pathogenic or benign to our knowledge

NM_021224.6(ZNF462):c.3904G>A (p.Ala1302Thr)

Gene: ZNF462 (zinc finger protein 462; plus strand). Cytogenetic location: 9q31.2.
Variant type: single nucleotide variant.
Coding change: c.3904G>A on transcript NM_021224.6 (MANE Select); coding-DNA position 3904, G replaced by A.
Protein change: p.Ala1302Thr; replaces alanine 1302 with threonine.
Molecular consequence: missense variant. On other transcripts: intron variant (1).
Genome position (GRCh38, 1-based): chr9:106,927,816, G>A. VCF-style: chr9-106927816-G-A. GRCh37 (hg19) VCF-style: chr9-109690097-G-A.
Other names: c.3252+652G>A (NM_001347997.2); short protein forms A1302T.
Identifiers: ClinVar variation 1804233 (VCV001804233.1), dbSNP rs2538786693, ClinGen allele CA374405892.